The following is an entry in ClinVar:

NM_001365693.1(MGAM):c.1776C>T (p.Val592=)

Gene: MGAM (maltase-glucoamylase; plus strand). Cytogenetic location: 7q34.
Variant type: single nucleotide variant.
Coding change: c.1776C>T on transcript NM_001365693.1 (MANE Select); coding-DNA position 1776, C replaced by T.
Protein change: p.Val592=; no amino-acid change (valine 592 retained).
Molecular consequence: synonymous variant.
Genome position (GRCh38, 1-based): chr7:142,034,368, C>T. VCF-style: chr7-142034368-C-T. GRCh37 (hg19) VCF-style: chr7-141734168-C-T.
Other names: c.1776C>T, p.Val592= (NM_004668.3).
Identifiers: ClinVar variation 2658098 (VCV002658098.24), dbSNP rs191698936, ClinGen allele CA4520886.
Genomic context (GRCh38, chr7:142,034,368, plus strand): 5'-AGTGCAGCACTGGGGCAAGCAGTATGACATTCACAATCTGTATGGCTACTCCATGGCGGT[C>T]GCCACAGCAGAGTAAGGCCACTATGGCTATGACCTGCTAATTATTGAATATAAAGAATAT-3'
Protein context (NP_001352622.1, residues 582-602): IHNLYGYSMA[Val592=]ATAEAAKTVF

ClinVar aggregate classification (germline): Likely benign (1 of 4 stars; one submission).

Allele frequency attached by ClinVar (database versions not stated): 1000 Genomes Project 0.00060; 1000 Genomes Project 30x 0.00094; gnomAD 0.00193; TOPMed 0.00224; ESP Exome Variant Server 0.00234; ExAC 0.00362.
gnomAD v4.1: 3,861 of 1,573,836 alleles (0.25%); highest among the groups gnomAD compares: Non-Finnish European, 0.29%; 10 homozygotes.

Submission:

CeGaT Center for Human Genetics Tuebingen
Classification: Likely benign. Last evaluated: 2022-11-01. Review status: criteria provided, single submitter. Criteria: CeGaT Center For Human Genetics Tuebingen Variant Classification Criteria Version 2. Collection method: clinical testing. Allele origin: germline. Affected: yes. Observed: 1 variant allele.
Comment: MGAM: BP4, BP7, BS2